The following is an entry in ClinVar:

NM_018075.5(ANO10):c.1248_1249del (p.Phe417fs)

Gene: ANO10 (anoctamin 10; minus strand). Cytogenetic location: 3p22.1.
Variant type: Microsatellite.
Coding change: c.1248_1249del on transcript NM_018075.5 (MANE Select); coding-DNA positions 1248 to 1249, 2 bases deleted (CT; older notation c.1248_1249delCT).
Protein change: p.Phe417fs; shifts the reading frame from phenylalanine 417.
Molecular consequence: frameshift variant.
Genome position (GRCh38, 1-based): chr3:43,565,697-43,565,698, AG deleted on the plus strand (CT on the coding strand, the reverse complement: ANO10 is on the minus strand); deleting any 2 consecutive bases within chr3:43,565,697-43,565,700 gives the same sequence; the c. name uses the placement nearest the transcript's 3' end. VCF-style (leftmost placement, unchanged base first): chr3-43565696-AAG-A. GRCh37 (hg19) VCF-style: chr3-43607188-AAG-A.
Other names: c.1248_1249del, p.Phe417fs (NM_001204831.3, NM_001346463.2, NM_001346464.2 and 3 more transcripts); c.1050_1051del, p.Phe351fs (NM_001204832.3, NM_001346466.2, NM_001346469.2); c.915_916del, p.Phe306fs (NM_001204833.3); c.678_679del, p.Phe227fs (NM_001204834.3); short protein forms F306fs, F351fs, F227fs, F417fs.
Identifiers: ClinVar variation 2984107 (VCV002984107.3), dbSNP rs768640639, ClinGen allele CA2340828.

ClinVar aggregate classification (germline): Pathogenic (1 of 4 stars; one submission).

Submission:

Labcorp Genetics (formerly Invitae), Labcorp
Classification: Pathogenic. Last evaluated: 2023-06-07. Review status: criteria provided, single submitter. Criteria: Invitae Variant Classification Sherloc (09022015). Collection method: clinical testing. Allele origin: germline.
Comment: For these reasons, this variant has been classified as Pathogenic. This variant has not been reported in the literature in individuals affected with ANO10-related conditions. This variant is present in population databases (rs768640639, gnomAD 0.01%). This sequence change creates a premature translational stop signal (p.Phe417Leufs*58) in the ANO10 gene. It is expected to result in an absent or disrupted protein product. Loss-of-function variants in ANO10 are known to be pathogenic (PMID: 25089919).

Literature cited by the submitters: PubMed 25089919.